The following is an entry in ClinVar:

ClinVar aggregate classification (germline): Likely benign (1 of 4 stars; one submission).

gnomAD v4.1: 7 of 399,020 alleles (0.0018%); highest among the groups gnomAD compares: Admixed American, 0.031%; no homozygotes.

Submission:

CeGaT Center for Human Genetics Tuebingen
Classification: Likely benign. Last evaluated: 2026-06-01. Review status: criteria provided, single submitter. Criteria: CeGaT Center For Human Genetics Tuebingen Variant Classification Criteria Version 2. Collection method: clinical testing. Allele origin: germline. Affected: yes. Observed: 1 variant allele.
Comment: EXOC3L2: BP4, BP7

NM_001382422.1(EXOC3L2):c.93A>G (p.Glu31=)

Gene: EXOC3L2 (exocyst complex component 3 like 2; minus strand). Cytogenetic location: 19q13.32.
Variant type: single nucleotide variant.
Coding change: c.93A>G on transcript NM_001382422.1 (MANE Select); coding-DNA position 93, A replaced by G.
Protein change: p.Glu31=; no amino-acid change (glutamic acid 31 retained).
Molecular consequence: synonymous variant.
Genome position (GRCh38, 1-based): chr19:45,238,953, T>C on the plus strand (A>G on the coding strand, the complement: EXOC3L2 is on the minus strand). VCF-style: chr19-45238953-T-C. GRCh37 (hg19) VCF-style: chr19-45742211-T-C.
Identifiers: ClinVar variation 4874349 (VCV004874349.2).